The following is an entry in ClinVar:

NM_138927.4(SON):c.524G>T (p.Gly175Val)

Gene: SON (SON DNA and RNA binding protein; plus strand). Cytogenetic location: 21q22.11.
Variant type: single nucleotide variant.
Coding change: c.524G>T on transcript NM_138927.4 (MANE Select); coding-DNA position 524, G replaced by T.
Protein change: p.Gly175Val; replaces glycine 175 with valine.
Molecular consequence: missense variant. On other transcripts: non-coding transcript variant (1), intron variant (1).
Genome position (GRCh38, 1-based): chr21:33,549,755, G>T. VCF-style: chr21-33549755-G-T. GRCh37 (hg19) VCF-style: chr21-34922061-G-T.
Other names: c.524G>T, p.Gly175Val (NM_001291411.2, NM_001412133.1, NM_032195.3 and 2 more transcripts); c.244+3376G>T (NM_001291412.3); short protein forms G175V.
Identifiers: ClinVar variation 2102702 (VCV002102702.4), dbSNP rs2517345917, ClinGen allele CA410151319.

ClinVar aggregate classification (germline): Uncertain significance (1 of 4 stars; one submission).

Submission:

Labcorp Genetics (formerly Invitae), Labcorp
Classification: Uncertain significance. Last evaluated: 2025-08-11. Review status: criteria provided, single submitter. Criteria: Invitae Variant Classification Sherloc (09022015). Collection method: clinical testing. Allele origin: germline.
Comment: This sequence change replaces glycine, which is neutral and non-polar, with valine, which is neutral and non-polar, at codon 175 of the SON protein (p.Gly175Val). This variant is not present in population databases (gnomAD no frequency). This variant has not been reported in the literature in individuals affected with SON-related conditions. ClinVar contains an entry for this variant (Variation ID: 2102702). An algorithm developed to predict the effect of missense changes on protein structure and function (PolyPhen-2) suggests that this variant is likely to be tolerated. In summary, the available evidence is currently insufficient to determine the role of this variant in disease. Therefore, it has been classified as a Variant of Uncertain Significance.